The following is an entry in ClinVar:

ClinVar aggregate classification (germline): Uncertain significance. Review status: criteria provided, multiple submitters, no conflicts (2 of 4 stars). 2 submissions from 2 submitters: Uncertain significance (2). Last evaluated 2025-12-27.

Conditions:
Inborn genetic diseases. Identifiers: MedGen C0950123, MeSH D030342.

Allele frequency attached by ClinVar (database versions not stated): gnomAD 0.00001; TOPMed 0.00002; ExAC 0.00007; ESP Exome Variant Server 0.00008.
gnomAD v4.1: 19 of 1,614,130 alleles (0.0012%); highest among the groups gnomAD compares: Admixed American, 0.01%; no homozygotes.

Submissions (2):

Labcorp Genetics (formerly Invitae), Labcorp
Classification: Uncertain significance. Last evaluated: 2025-12-27. Review status: criteria provided, single submitter. Criteria: Invitae Variant Classification Sherloc (09022015). Collection method: clinical testing. Allele origin: germline.
Comment: This sequence change replaces serine, which is neutral and polar, with leucine, which is neutral and non-polar, at codon 1916 of the CACNA1D protein (p.Ser1916Leu). This variant is present in population databases (rs368496441, gnomAD 0.01%). This variant has not been reported in the literature in individuals affected with CACNA1D-related conditions. ClinVar contains an entry for this variant (Variation ID: 2167904). An algorithm developed to predict the effect of missense changes on protein structure and function (PolyPhen-2) suggests that this variant is likely to be tolerated. In summary, the available evidence is currently insufficient to determine the role of this variant in disease. Therefore, it has been classified as a Variant of Uncertain Significance.

Ambry Genetics
Classification: Uncertain significance for Inborn genetic diseases. Last evaluated: 2025-12-02. Review status: criteria provided, single submitter. Criteria: Ambry Variant Classification Scheme 2023. Collection method: clinical testing. Allele origin: germline.

NM_001128840.3(CACNA1D):c.5687C>T (p.Ser1896Leu)

Gene: CACNA1D (calcium voltage-gated channel subunit alpha1 D; plus strand). Cytogenetic location: 3p21.1.
Variant type: single nucleotide variant.
Coding change: c.5687C>T on transcript NM_001128840.3 (MANE Select); coding-DNA position 5687, C replaced by T.
Protein change: p.Ser1896Leu; replaces serine 1896 with leucine.
Molecular consequence: missense variant.
Genome position (GRCh38, 1-based): chr3:53,805,084, C>T. VCF-style: chr3-53805084-C-T. GRCh37 (hg19) VCF-style: chr3-53839111-C-T.
Other names: c.5747C>T, p.Ser1916Leu (NM_000720.4); c.5615C>T, p.Ser1872Leu (NM_001128839.3); c.5747C>T (NM_000720.2); short protein forms S1896L, S1872L, S1916L.
Identifiers: ClinVar variation 2167904 (VCV002167904.5), dbSNP rs368496441, ClinGen allele CA2455220.